The following is an entry in ClinVar:

ClinVar aggregate classification (germline): Uncertain significance. Review status: criteria provided, multiple submitters, no conflicts (2 of 4 stars). 2 submissions from 2 submitters: Uncertain significance (2). Last evaluated 2022-10-27.

Conditions:
Hereditary cancer-predisposing syndrome. Also called: Neoplastic Syndromes, Hereditary; Hereditary neoplastic syndrome; Tumor predisposition; Hereditary Cancer Syndrome. Identifiers: Orphanet 140162, MedGen C0027672, MeSH D009386, MONDO:0015356.
Mitochondrial complex II deficiency, nuclear type 1. Also called: SUCCINATE CoQ REDUCTASE DEFICIENCY. Identifiers: Orphanet 3208, MedGen C5700310, MONDO:0100294, OMIM 252011.
Pheochromocytoma/paraganglioma syndrome 5. Also called: Paragangliomas 5; SDHA-Related Hereditary Paraganglioma-Pheochromocytoma Syndrome. Identifiers: Orphanet 29072, MedGen C3279992, MONDO:0013602, OMIM 614165.

Submissions (2):

Labcorp Genetics (formerly Invitae), Labcorp
Classification: Uncertain significance for Pheochromocytoma/paraganglioma syndrome 5; Mitochondrial complex II deficiency, nuclear type 1. Last evaluated: 2022-10-27. Review status: criteria provided, single submitter. Criteria: Invitae Variant Classification Sherloc (09022015). Collection method: clinical testing. Allele origin: germline.
Comment: This sequence change replaces serine, which is neutral and polar, with tyrosine, which is neutral and polar, at codon 344 of the SDHA protein (p.Ser344Tyr). In summary, the available evidence is currently insufficient to determine the role of this variant in disease. Therefore, it has been classified as a Variant of Uncertain Significance. Advanced modeling of protein sequence and biophysical properties (such as structural, functional, and spatial information, amino acid conservation, physicochemical variation, residue mobility, and thermodynamic stability) has been performed at Invitae for this missense variant, however the output from this modeling did not meet the statistical confidence thresholds required to predict the impact of this variant on SDHA protein function. ClinVar contains an entry for this variant (Variation ID: 852180). This variant has not been reported in the literature in individuals affected with SDHA-related conditions. This variant is not present in population databases (gnomAD no frequency).

Ambry Genetics
Classification: Uncertain significance for Hereditary cancer-predisposing syndrome. Last evaluated: 2020-06-15. Review status: criteria provided, single submitter. Criteria: Ambry Variant Classification Scheme 2023. Collection method: clinical testing. Allele origin: germline.
Comment: The p.S344Y variant (also known as c.1031C>A), located in coding exon 8 of the SDHA gene, results from a C to A substitution at nucleotide position 1031. The serine at codon 344 is replaced by tyrosine, an amino acid with dissimilar properties. This amino acid position is highly conserved in available vertebrate species. In addition, this alteration is predicted to be deleterious by in silico analysis. Since supporting evidence is limited at this time, the clinical significance of this alteration remains unclear.

NM_004168.4(SDHA):c.1031C>A (p.Ser344Tyr)

Gene: SDHA (succinate dehydrogenase complex flavoprotein subunit A; plus strand). Cytogenetic location: 5p15.33.
Variant type: single nucleotide variant.
Coding change: c.1031C>A on transcript NM_004168.4 (MANE Select); coding-DNA position 1031, C replaced by A.
Protein change: p.Ser344Tyr; replaces serine 344 with tyrosine.
Molecular consequence: missense variant.
Genome position (GRCh38, 1-based): chr5:233,612, C>A. VCF-style: chr5-233612-C-A. GRCh37 (hg19) VCF-style: chr5-233727-C-A.
Other names: c.887C>A, p.Ser296Tyr (NM_001294332.2); c.1031C>A, p.Ser344Tyr (NM_001330758.2); short protein forms S296Y, S344Y.
Identifiers: ClinVar variation 852180 (VCV000852180.17), dbSNP rs1735563548, ClinGen allele CA359012925.